The following is an entry in ClinVar:

NM_000059.4(BRCA2):c.5054C>T (p.Ser1685Leu)

Gene: BRCA2 (BRCA2 DNA repair associated; plus strand). Cytogenetic location: 13q13.1.
Variant type: single nucleotide variant.
Coding change: c.5054C>T on transcript NM_000059.4 (MANE Select); coding-DNA position 5054, C replaced by T.
Protein change: p.Ser1685Leu; replaces serine 1685 with leucine.
Molecular consequence: missense variant.
Genome position (GRCh38, 1-based): chr13:32,339,409, C>T. VCF-style: chr13-32339409-C-T. GRCh37 (hg19) VCF-style: chr13-32913546-C-T.
Other names: short protein forms S1685L.
Identifiers: ClinVar variation 834293 (VCV000834293.12), dbSNP rs398122791, ClinGen allele CA387784028.
Genomic context (GRCh38, chr13:32,339,409, plus strand): 5'-AAAATTCAGCCTTAGCTTTTTACACAAGTTGTAGTAGAAAAACTTCTGTGAGTCAGACTT[C>T]ATTACTTGAAGCAAAAAAATGGCTTAGAGAAGGAATATTTGATGGTCAACCAGAAAGAAT-3'
Protein context (NP_000050.3, residues 1675-1695): CSRKTSVSQT[Ser1685Leu]LLEAKKWLRE

ClinVar aggregate classification (germline): Conflicting classifications of pathogenicity. Review status: criteria provided, conflicting classifications (1 of 4 stars). 5 submissions from 5 submitters: Uncertain significance (4); Likely benign (1). Last evaluated 2024-10-07.

Conditions:
Hereditary breast ovarian cancer syndrome. Also called: Breast and ovarian cancer; Hereditary breast and ovarian cancer syndrome (HBOC); BRCA1- and BRCA2-Associated Hereditary Breast and Ovarian Cancer; Hereditary breast and/or ovarian cancer syndrome; Hereditary breast and ovarian cancer syndrome; Hereditary breast and ovarian cancer. Identifiers: Orphanet 145, MedGen C0677776, MeSH D061325, MONDO:0003582. Disease mechanism: loss of function.
Breast-ovarian cancer, familial, susceptibility to, 2 (BROVCA2). Also called: BRCA2 Hereditary Breast and Ovarian Cancer. Identifiers: Orphanet 145, MedGen C2675520, MONDO:0012933, OMIM 612555. Disease mechanism: loss of function.
Hereditary cancer-predisposing syndrome. Also called: Neoplastic Syndromes, Hereditary; Hereditary neoplastic syndrome; Tumor predisposition; Hereditary Cancer Syndrome. Identifiers: Orphanet 140162, MedGen C0027672, MeSH D009386, MONDO:0015356.

Allele frequency attached by ClinVar (database versions not stated): TOPMed below 0.00001.

Submissions (5):

Color Diagnostics, LLC DBA Color Health
Classification: Uncertain significance for Hereditary cancer-predisposing syndrome. Last evaluated: 2024-10-07. Review status: criteria provided, single submitter. Criteria: ACMG Guidelines, 2015. Collection method: clinical testing. Allele origin: germline.
Comment: This missense variant replaces serine with leucine at codon 1685 of the BRCA2 protein. Computational prediction suggests that this variant may not impact protein structure and function. To our knowledge, functional studies have not been reported for this variant. This variant has not been reported in individuals affected with BRCA2-related disorders in the literature. This variant has not been identified in the general population by the Genome Aggregation Database (gnomAD). The available evidence is insufficient to determine the role of this variant in disease conclusively. Therefore, this variant is classified as a Variant of Uncertain Significance.

Ambry Genetics
Classification: Uncertain significance for Hereditary cancer-predisposing syndrome. Last evaluated: 2024-06-05. Review status: criteria provided, single submitter. Criteria: Ambry Variant Classification Scheme 2023. Collection method: clinical testing. Allele origin: germline.
Comment: The p.S1685L variant (also known as c.5054C>T), located in coding exon 10 of the BRCA2 gene, results from a C to T substitution at nucleotide position 5054. The serine at codon 1685 is replaced by leucine, an amino acid with dissimilar properties. This amino acid position is not well conserved in available vertebrate species. In addition, this alteration is predicted to be tolerated by in silico analysis. Based on the available evidence, the clinical significance of this variant remains unclear.

Labcorp Genetics (formerly Invitae), Labcorp
Classification: Uncertain significance for Hereditary breast ovarian cancer syndrome. Last evaluated: 2024-04-23. Review status: criteria provided, single submitter. Criteria: Invitae Variant Classification Sherloc (09022015). Collection method: clinical testing. Allele origin: germline.
Comment: This sequence change replaces serine, which is neutral and polar, with leucine, which is neutral and non-polar, at codon 1685 of the BRCA2 protein (p.Ser1685Leu). This variant is not present in population databases (gnomAD no frequency). This variant has not been reported in the literature in individuals affected with BRCA2-related conditions. ClinVar contains an entry for this variant (Variation ID: 834293). Advanced modeling of protein sequence and biophysical properties (such as structural, functional, and spatial information, amino acid conservation, physicochemical variation, residue mobility, and thermodynamic stability) performed at Invitae indicates that this missense variant is not expected to disrupt BRCA2 protein function with a negative predictive value of 95%. In summary, the available evidence is currently insufficient to determine the role of this variant in disease. Therefore, it has been classified as a Variant of Uncertain Significance.

All of Us Research Program, National Institutes of Health
Classification: Uncertain significance for Breast-ovarian cancer, familial, susceptibility to, 2. Last evaluated: 2023-08-23. Review status: criteria provided, single submitter. Criteria: ACMG Guidelines, 2015. Collection method: clinical testing. Allele origin: germline. Inheritance: Autosomal dominant inheritance. Observed: 1 variant allele, 1 heterozygote.
Comment: This missense variant replaces serine with leucine at codon 1685 of the BRCA2 protein. Computational prediction suggests that this variant may not impact protein structure and function (internally defined REVEL score threshold <= 0.5, PMID: 27666373). To our knowledge, functional studies have not been reported for this variant. This variant has not been reported in individuals affected with hereditary cancer in the literature. This variant has not been identified in the general population by the Genome Aggregation Database (gnomAD). The available evidence is insufficient to determine the role of this variant in disease conclusively. Therefore, this variant is classified as a Variant of Uncertain Significance.

This study involves interpretation of variants in research participants for the purpose of population health screening. Participant phenotype was not available at the time of variant classification. Additional details can be found in publication PMID: 35346344, PMCID: PMC8962531

University of Washington Department of Laboratory Medicine, University of Washington
Classification: Likely benign for Hereditary cancer-predisposing syndrome. Last evaluated: 2023-03-23. Review status: criteria provided, single submitter. Criteria: Dines et al. (Genet Med. 2020). Collection method: curation. Allele origin: germline.
Comment: Missense variant in a coldspot region where missense variants are very unlikely to be pathogenic (PMID:31911673).

BRCA2 exon 11 coldspot. Reclassification based on statistical prior probability.